The following is an entry in ClinVar:

ClinVar aggregate classification (germline): Uncertain significance (1 of 4 stars; one submission).

Conditions:
Inborn genetic diseases. Identifiers: MedGen C0950123, MeSH D030342.

Submission:

Ambry Genetics
Classification: Uncertain significance for Inborn genetic diseases. Last evaluated: 2023-09-07. Review status: criteria provided, single submitter. Criteria: Ambry Variant Classification Scheme 2023. Collection method: clinical testing. Allele origin: germline.
Comment: The p.K170Q variant (also known as c.508A>C), located in coding exon 3 of the ACD gene, results from an A to C substitution at nucleotide position 508. The lysine at codon 170 is replaced by glutamine, an amino acid with similar properties. This amino acid position is conserved. In addition, this alteration is predicted to be tolerated by in silico analysis. Since supporting evidence is limited at this time, the clinical significance of this alteration remains unclear.

NM_001082486.2(ACD):c.250A>C (p.Lys84Gln)

Gene: ACD (ACD shelterin complex subunit and telomerase recruitment factor; minus strand). Cytogenetic location: 16q22.1.
Variant type: single nucleotide variant.
Coding change: c.250A>C on transcript NM_001082486.2 (MANE Select); coding-DNA position 250, A replaced by C.
Protein change: p.Lys84Gln; replaces lysine 84 with glutamine.
Molecular consequence: missense variant.
Genome position (GRCh38, 1-based): chr16:67,659,788, T>G on the plus strand (A>C on the coding strand, the complement: ACD is on the minus strand). VCF-style: chr16-67659788-T-G. GRCh37 (hg19) VCF-style: chr16-67693691-T-G.
Other names: c.250A>C, p.Lys84Gln (NM_001410884.1); c.241A>C, p.Lys81Gln (NM_022914.3); short protein forms K81Q, K84Q.
Identifiers: ClinVar variation 2586833 (VCV002586833.2), dbSNP rs2543609295, ClinGen allele CA396356258.